The following is an entry in ClinVar:

ClinVar aggregate classification (germline): Uncertain significance. Review status: criteria provided, multiple submitters, no conflicts (2 of 4 stars). 2 submissions from 2 submitters: Uncertain significance (2). Last evaluated 2023-11-20.

Conditions:
Wilson disease (WND). Also called: Wilson's disease. Identifiers: Orphanet 905, MedGen C0019202, MONDO:0010200, OMIM 277900. Disease mechanism: loss of function.

Allele frequency attached by ClinVar (database versions not stated): gnomAD 0.00001; gnomAD exomes 0.00001; TOPMed 0.00001; ExAC 0.00007.
gnomAD v4.1: 16 of 1,597,568 alleles (0.001%); highest among the groups gnomAD compares: Non-Finnish European, 0.00085%; no homozygotes.

Submissions (2):

All of Us Research Program, National Institutes of Health
Classification: Uncertain significance for Wilson disease. Last evaluated: 2023-11-20. Review status: criteria provided, single submitter. Criteria: ACMG Guidelines, 2015. Collection method: clinical testing. Allele origin: germline. Inheritance: Autosomal recessive inheritance. Observed: 2 variant alleles, 2 heterozygotes.
Comment: This missense variant replaces glycine with valine at codon 1012 of the ATP7B protein. Computational prediction suggests that this variant may have deleterious impact on protein structure and function (internally defined REVEL score threshold >= 0.7, PMID: 27666373). To our knowledge, functional studies have not been reported for this variant. This variant has been reported in an individual affected with Wilson disease (PMID: 17949296). This variant has been identified in 3/221842 chromosomes in the general population by the Genome Aggregation Database (gnomAD). The available evidence is insufficient to determine the role of this variant in disease conclusively. Therefore, this variant is classified as a Variant of Uncertain Significance.

This study involves interpretation of variants in research participants for the purpose of population health screening. Participant phenotype was not available at the time of variant classification. Additional details can be found in publication PMID: 35346344, PMCID: PMC8962531

Color Diagnostics, LLC DBA Color Health
Classification: Uncertain significance for Wilson disease. Last evaluated: 2023-03-22. Review status: criteria provided, single submitter. Criteria: ACMG Guidelines, 2015. Collection method: clinical testing. Allele origin: germline.
Comment: This missense variant replaces glycine with valine at codon 1012 of the ATP7B protein. Computational prediction suggests that this variant may have deleterious impact on protein structure and function. To our knowledge, functional studies have not been reported for this variant. This variant has been reported in an individual affected with Wilson disease (PMID: 17949296). This variant has been identified in 3/221842 chromosomes in the general population by the Genome Aggregation Database (gnomAD). The available evidence is insufficient to determine the role of this variant in disease conclusively. Therefore, this variant is classified as a Variant of Uncertain Significance.

Literature cited by the submitters: PubMed 17949296 (cited by All of Us Research Program, National Institutes of Health and Color Diagnostics, LLC DBA Color Health).

NM_000053.4(ATP7B):c.3035G>T (p.Gly1012Val)

Gene: ATP7B (ATPase copper transporting beta; minus strand). Cytogenetic location: 13q14.3.
Variant type: single nucleotide variant.
Coding change: c.3035G>T on transcript NM_000053.4 (MANE Select); coding-DNA position 3035, G replaced by T.
Protein change: p.Gly1012Val; replaces glycine 1012 with valine.
Molecular consequence: missense variant. On other transcripts: intron variant (6).
Genome position (GRCh38, 1-based): chr13:51,946,309, C>A on the plus strand (G>T on the coding strand, the complement: ATP7B is on the minus strand). VCF-style: chr13-51946309-C-A. GRCh37 (hg19) VCF-style: chr13-52520445-C-A.
Other names: c.2414G>T, p.Gly805Val (NM_001005918.3); c.2702G>T, p.Gly901Val (NM_001243182.2); c.2801G>T, p.Gly934Val (NM_001330578.2, NM_001406527.1, NM_001406528.1 and 1 more transcripts); c.2783G>T, p.Gly928Val (NM_001330579.2, NM_001406531.1, NM_001406532.1); c.3035G>T, p.Gly1012Val (NM_001406511.1, NM_001406512.1, NM_001406513.1 and 2 more transcripts); c.3002G>T, p.Gly1001Val (NM_001406514.1); c.2795G>T, p.Gly932Val (NM_001406530.1); c.2747G>T, p.Gly916Val (NM_001406534.1); and 18 more; short protein forms G1001V, G1012V, G582V, G796V, G805V, G818V, G850V, G869V.
Identifiers: ClinVar variation 3070112 (VCV003070112.2), dbSNP rs772089544, ClinGen allele CA6988833.